The following is an entry in ClinVar:

NM_003632.3(CNTNAP1):c.3643T>C (p.Phe1215Leu)

Gene: CNTNAP1 (contactin associated protein 1; plus strand). Cytogenetic location: 17q21.2.
Variant type: single nucleotide variant.
Coding change: c.3643T>C on transcript NM_003632.3 (MANE Select); coding-DNA position 3643, T replaced by C.
Protein change: p.Phe1215Leu; replaces phenylalanine 1215 with leucine.
Molecular consequence: missense variant.
Genome position (GRCh38, 1-based): chr17:42,697,628, T>C. VCF-style: chr17-42697628-T-C. GRCh37 (hg19) VCF-style: chr17-40849646-T-C.
Other names: short protein forms F1215L.
Identifiers: ClinVar variation 1421760 (VCV001421760.3), dbSNP rs2143679908, ClinGen allele CA399629350.

ClinVar aggregate classification (germline): Uncertain significance (1 of 4 stars; one submission).

Allele frequency attached by ClinVar (database versions not stated): gnomAD exomes below 0.00001.
gnomAD v4.1: 1 of 1,614,064 alleles (0.000062%); highest among the groups gnomAD compares: Admixed American, 0.0017%; no homozygotes.

Submission:

Labcorp Genetics (formerly Invitae), Labcorp
Classification: Uncertain significance. Last evaluated: 2021-12-02. Review status: criteria provided, single submitter. Criteria: Invitae Variant Classification Sherloc (09022015). Collection method: clinical testing. Allele origin: germline.
Comment: This sequence change replaces phenylalanine, which is neutral and non-polar, with leucine, which is neutral and non-polar, at codon 1215 of the CNTNAP1 protein (p.Phe1215Leu). This variant is not present in population databases (gnomAD no frequency). This variant has not been reported in the literature in individuals affected with CNTNAP1-related conditions. Algorithms developed to predict the effect of missense changes on protein structure and function are either unavailable or do not agree on the potential impact of this missense change (SIFT: "Tolerated"; PolyPhen-2: "Possibly Damaging"; Align-GVGD: "Class C0"). In summary, the available evidence is currently insufficient to determine the role of this variant in disease. Therefore, it has been classified as a Variant of Uncertain Significance.